The following is an entry in ClinVar:

NM_005476.7(GNE):c.1282-302G>A

Gene: GNE (glucosamine (UDP-N-acetyl)-2-epimerase/N-acetylmannosamine kinase; minus strand). Cytogenetic location: 9p13.3.
Variant type: single nucleotide variant.
Coding change: c.1282-302G>A on transcript NM_005476.7 (MANE Select); 302 bases into the intron before coding-DNA position 1282, G replaced by A.
Molecular consequence: intron variant.
Genome position (GRCh38, 1-based): chr9:36,223,804, C>T on the plus strand (G>A on the coding strand, the complement: GNE is on the minus strand). VCF-style: chr9-36223804-C-T. GRCh37 (hg19) VCF-style: chr9-36223801-C-T.
Other names: c.1105-302G>A (NM_001190388.2, NM_001374798.1); c.1375-302G>A (NM_001128227.3); c.952-302G>A (NM_001190384.3); c.1129-302G>A (NM_001374797.1); c.1282-302G>A (NM_001190383.3).
Identifiers: ClinVar variation 671400 (VCV000671400.1), dbSNP rs28576111, ClinGen allele CA12954819.
Genomic context (GRCh38, chr9:36,223,804, plus strand): 5'-TGGGCCCCTCTCTTTTTTTTTTTTTTGAGATGGCCTCTCGCTCTGTTGCCCAGGCTGGAG[C>T]GCTATGGCGCGATCTCAGCTCACTGCAACCTCCACCTCCCAGGTTCAGGCGATTCTCCTT-3'

ClinVar aggregate classification (germline): Benign (1 of 4 stars; one submission).

Allele frequency attached by ClinVar (database versions not stated): gnomAD 0.48653 and 0.49314; TOPMed 0.50323; 1000 Genomes Project 30x 0.59354; 1000 Genomes Project 0.59445.

Submission:

GeneDx
Classification: Benign. Last evaluated: 2018-06-14. Review status: criteria provided, single submitter. Criteria: GeneDx Variant Classification (06012015). Collection method: clinical testing. Allele origin: germline. Affected: yes.
Comment: This variant is considered likely benign or benign based on one or more of the following criteria: it is a conservative change, it occurs at a poorly conserved position in the protein, it is predicted to be benign by multiple in silico algorithms, and/or has population frequency not consistent with disease.